The following is an entry in ClinVar:

ClinVar aggregate classification (germline): Uncertain significance (1 of 4 stars; one submission).

Conditions:
Cardiovascular phenotype. Identifiers: MedGen CN230736.

Submission:

Molecular Diagnostic Laboratory for Inherited Cardiovascular Disease, Montreal Heart Institute
Classification: Uncertain significance for Cardiovascular phenotype. Last evaluated: 2026-03-27. Review status: criteria provided, single submitter. Criteria: ACMG Guidelines, 2015. Collection method: clinical testing. Allele origin: germline. Affected: yes.
Comment: PM2, PP2, PP3

NM_001035.3(RYR2):c.1567G>A (p.Gly523Arg)

Gene: RYR2 (ryanodine receptor 2; plus strand). Cytogenetic location: 1q43.
Variant type: single nucleotide variant.
Coding change: c.1567G>A on transcript NM_001035.3 (MANE Select); coding-DNA position 1567, G replaced by A.
Protein change: p.Gly523Arg; replaces glycine 523 with arginine.
Molecular consequence: missense variant.
Genome position (GRCh38, 1-based): chr1:237,456,690, G>A. VCF-style: chr1-237456690-G-A. GRCh37 (hg19) VCF-style: chr1-237619990-G-A.
Other names: short protein forms G523R.
Identifiers: ClinVar variation 4820558 (VCV004820558.1).